The following is an entry in ClinVar:

ClinVar aggregate classification (germline): Uncertain significance (1 of 4 stars; one submission).

Conditions:
Hereditary cancer-predisposing syndrome. Also called: Tumor predisposition; Hereditary Cancer Syndrome; Hereditary neoplastic syndrome; Neoplastic Syndromes, Hereditary. Identifiers: Orphanet 140162, MedGen C0027672, MeSH D009386, MONDO:0015356.

Submission:

Ambry Genetics
Classification: Uncertain significance for Hereditary cancer-predisposing syndrome. Last evaluated: 2025-09-16. Review status: criteria provided, single submitter. Criteria: Ambry Variant Classification Scheme 2023. Collection method: clinical testing. Allele origin: germline.
Comment: The p.D69G variant (also known as c.206A>G), located in coding exon 2 of the BMPR1A gene, results from an A to G substitution at nucleotide position 206. The aspartic acid at codon 69 is replaced by glycine, an amino acid with similar properties. This amino acid position is well conserved in available vertebrate species. In addition, this alteration is predicted to be deleterious by in silico analysis. Based on the available evidence, the clinical significance of this variant remains unclear.

NM_004329.3(BMPR1A):c.206A>G (p.Asp69Gly)

Gene: BMPR1A (bone morphogenetic protein receptor type 1A; plus strand). Cytogenetic location: 10q23.2.
Variant type: single nucleotide variant.
Coding change: c.206A>G on transcript NM_004329.3 (MANE Select); coding-DNA position 206, A replaced by G.
Protein change: p.Asp69Gly; replaces aspartic acid 69 with glycine.
Molecular consequence: missense variant.
Genome position (GRCh38, 1-based): chr10:86,890,200, A>G. VCF-style: chr10-86890200-A-G. GRCh37 (hg19) VCF-style: chr10-88649957-A-G.
Other names: short protein forms D69G.
Identifiers: ClinVar variation 486805 (VCV000486805.6), dbSNP rs1554888137, ClinGen allele CA377447141.